The following is an entry in ClinVar:

NM_000243.3(MEFV):c.697C>A (p.Leu233Met)

Gene: MEFV (MEFV innate immunity regulator, pyrin; minus strand). Cytogenetic location: 16p13.3.
Variant type: single nucleotide variant.
Coding change: c.697C>A on transcript NM_000243.3 (MANE Select); coding-DNA position 697, C replaced by A.
Protein change: p.Leu233Met; replaces leucine 233 with methionine.
Molecular consequence: missense variant. On other transcripts: intron variant (1).
Genome position (GRCh38, 1-based): chr16:3,254,371, G>T on the plus strand (C>A on the coding strand, the complement: MEFV is on the minus strand). VCF-style: chr16-3254371-G-T. GRCh37 (hg19) VCF-style: chr16-3304371-G-T.
Other names: p.Leu233Met; c.277+1940C>A (NM_001198536.2); short protein forms L233M.
Identifiers: ClinVar variation 3380363 (VCV003380363.1).

ClinVar aggregate classification (germline): Uncertain significance (1 of 4 stars; one submission).

gnomAD v4.1: 1 of 1,614,206 alleles (0.000062%); highest among the groups gnomAD compares: South Asian, 0.0011%; no homozygotes.

Submission:

Mayo Clinic Laboratories, Mayo Clinic
Classification: Uncertain significance. Last evaluated: 2023-12-14. Review status: criteria provided, single submitter. Criteria: ACMG Guidelines, 2015. Collection method: clinical testing. Allele origin: germline. Observed: 1 variant allele.
Comment: BP4